The following is an entry in ClinVar:

NM_052947.4(ALPK2):c.2777A>G (p.His926Arg)

Gene: ALPK2 (alpha kinase 2; minus strand). Cytogenetic location: 18q21.31.
Variant type: single nucleotide variant.
Coding change: c.2777A>G on transcript NM_052947.4 (MANE Select); coding-DNA position 2777, A replaced by G.
Protein change: p.His926Arg; replaces histidine 926 with arginine.
Molecular consequence: missense variant.
Genome position (GRCh38, 1-based): chr18:58,537,410, T>C on the plus strand (A>G on the coding strand, the complement: ALPK2 is on the minus strand). VCF-style: chr18-58537410-T-C. GRCh37 (hg19) VCF-style: chr18-56204642-T-C.
Other names: short protein forms H926R.
Identifiers: ClinVar variation 1795859 (VCV001795859.3), dbSNP rs2518877257, ClinGen allele CA402569805.

ClinVar aggregate classification (germline): Uncertain significance (1 of 4 stars; one submission).

Allele frequency attached by ClinVar (database versions not stated): gnomAD exomes below 0.00001.
gnomAD v4.1: 2 of 1,613,724 alleles (0.00012%); no homozygotes.

Submission:

Ambry Genetics
Classification: Uncertain significance. Last evaluated: 2024-06-08. Review status: criteria provided, single submitter. Criteria: Ambry Variant Classification Scheme 2023. Collection method: clinical testing. Allele origin: germline.
Comment: The p.H926R variant (also known as c.2777A>G), located in coding exon 4 of the ALPK2 gene, results from an A to G substitution at nucleotide position 2777. The histidine at codon 926 is replaced by arginine, an amino acid with highly similar properties. This amino acid position is conserved. In addition, this alteration is predicted to be tolerated by in silico analysis. Since supporting evidence is limited at this time, the clinical significance of this alteration remains unclear.